The following continues an entry in ClinVar:

NM_000435.3(NOTCH3):c.619C>T (p.Arg207Cys)

Gene: NOTCH3. ClinVar aggregate classification (germline): Pathogenic/Likely pathogenic. Pathogenic (8); Likely pathogenic (7).

Submissions 11 to 17 of 17:

Athena Diagnostics
Classification: Pathogenic. Last evaluated: 2023-03-24. Review status: criteria provided, single submitter. Criteria: Athena Diagnostics Criteria. Collection method: clinical testing. Allele origin: unknown.
Comment: The frequency of this variant in the general population is consistent with pathogenicity. This variant has been identified in multiple unrelated individuals with clinical features associated with CADASIL. In some published literature, this variant is referred to as c.697C>T. This variant alters a critical location within the protein, and is expected to severely affect function and cause disease. Greater than 90% of NOTCH3 pathogenic variants associated with CADASIL involve the gain or loss of a cysteine residue within the epidermal growth factor (EGF)-like repeat domain (PMID: 32457593, 20301673).

Blueprint Genetics
Classification: Likely pathogenic for NOTCH3-related disorders. Last evaluated: 2022-02-15. Review status: criteria provided, single submitter. Criteria: ACMG Guidelines, 2015. Collection method: clinical testing. Allele origin: germline. Affected: yes. Observed: 1 variant allele.

Division Of Personalized Genomic Medicine, Columbia University Irving Medical Center
Classification: Pathogenic for Cerebral arteriopathy, autosomal dominant, with subcortical infarcts and leukoencephalopathy, type 1. Last evaluated: 2019-07-17. Review status: criteria provided, single submitter. Criteria: ACMG Guidelines, 2015. Collection method: clinical testing. Allele origin: germline. Inheritance: Autosomal dominant inheritance. Affected: yes. Observed: 1 heterozygote.
Comment: The R207C variant in the NOTCH3 gene is a heterozygous missense variant, which results in the substitution of an arginine residue at the 207 position to cysteine. This variant localizes to coding exon 4 of the NOTCH3 gene (33 coding exons in total; NP_000426.2) and is part of the EGF-like 5 domain. In silico analyses are inconsistent in predicting the effect of this variant on protein structure and/ or function: it is predicted to be deleterious and damaging to protein structure and/ or function by PROVEAN but predicted to be tolerated by SIFT. This variant is present in the Genome Aggregation Database (gnomAD) at a very low frequency (2/250,308), indicating it is not a common benign variant in the populations represented in these databases. Mutations in NOTCH3 are associated with Cerebral arteriopathy with subcortical infarcts and leukoencephalopathy 1 (CADASIL) (OMIM#125310). This specific variant has been described to be disease causing in several cohorts of individuals with CADASIL (PMIDs: 27890607, 26305465, 25623805, 15834039, 10371548, 22664156), and is reported in the ClinVar database as Pathogenic/Likely Pathogenic (Variation ID: 447862).

Fulgent Genetics
Classification: Likely pathogenic for Cerebral arteriopathy, autosomal dominant, with subcortical infarcts and leukoencephalopathy, type 1; Lateral meningocele syndrome; Myofibromatosis, infantile, 2. Last evaluated: 2018-10-31. Review status: criteria provided, single submitter. Criteria: ACMG Guidelines, 2015. Collection method: clinical testing. Allele origin: unknown.

Clinical Genetics Service, Universitary Hospital 12 de Octubre
Classification: Pathogenic for Cerebral arteriopathy, autosomal dominant, with subcortical infarcts and leukoencephalopathy, type 1. Review status: criteria provided, single submitter. Criteria: ACMG Guidelines, 2015. Collection method: clinical testing. Allele origin: germline. Affected: yes.

PreventionGenetics, part of Exact Sciences
Classification: Pathogenic for NOTCH3-related condition. Last evaluated: 2024-06-06. Review status: no assertion criteria provided. Collection method: clinical testing. Allele origin: germline. Not counted in ClinVar's aggregate classification.
Comment: The NOTCH3 c.619C>T variant is predicted to result in the amino acid substitution p.Arg207Cys. This variant has been reported to be causative for CADASIL in numerous affected individuals (see for example Escary et al. 2000. PubMed ID: 11102981; Matsushima et al. 2017. PubMed ID: 27890607). Most CADASIL causing variants in the NOTCH3 gene result in the gain or loss of one or more cysteine residues in the extracellular domain of the protein, as seen in this patient. This patient’s variant alters a cysteine residue and is located in the extracellular EGF-like domain five. Pathogenic variants in EGF-like domains 1-6 appear to be fully penetrant and are usually associated with the classical CADASIL phenotype. However, there is variability in disease severity (OMIM #125310; Rutten et al. 2016. PubMed ID: 27844030; Rutten et al. 2019. PubMed ID: 30032161). This variant is reported in 0.0018% of alleles in individuals of European (Non-Finnish) descent in gnomAD. This variant is interpreted as pathogenic.

Molecular Genetics Laboratory, BC Children's and BC Women's Hospitals
Classification: Likely pathogenic for CADASIL. Last evaluated: 2020-11-19. Review status: no assertion criteria provided. Criteria: ACMG Guidelines, 2015. Collection method: clinical testing. Allele origin: germline. Affected: yes. Not counted in ClinVar's aggregate classification.

Literature cited by the submitters: PubMed 15834039 (cited by 4 submitters); PubMed 16009764 (cited by Labcorp Genetics (formerly Invitae), Labcorp and Athena Diagnostics); PubMed 20935329 (cited by 4 submitters); PubMed 27890607 (cited by 5 submitters); PubMed 19174371 (cited by Variantyx, Inc.); PubMed 28710804 (cited by Variantyx, Inc.); PubMed 15364702 (cited by Variantyx, Inc.); PubMed 35862191 (cited by Women's Health and Genetics/Laboratory Corporation of America, LabCorp); PubMed 10371548 (cited by 3 submitters); PubMed 11102981 (cited by Mayo Clinic Laboratories, Mayo Clinic and Athena Diagnostics); PubMed 25623805 (cited by 3 submitters); PubMed 26305465 (cited by Mayo Clinic Laboratories, Mayo Clinic and Division Of Personalized Genomic Medicine, Columbia University Irving Medical Center); PubMed 27844030 (cited by Mayo Clinic Laboratories, Mayo Clinic); PubMed 31433517 (cited by Mayo Clinic Laboratories, Mayo Clinic); PubMed 31589614 (cited by Mayo Clinic Laboratories, Mayo Clinic); PubMed 32277177 (cited by Mayo Clinic Laboratories, Mayo Clinic); PubMed 34297860 (cited by Mayo Clinic Laboratories, Mayo Clinic); PubMed 35822697 (cited by Mayo Clinic Laboratories, Mayo Clinic); PubMed 35906014 (cited by Mayo Clinic Laboratories, Mayo Clinic); PubMed 36401683 (cited by Mayo Clinic Laboratories, Mayo Clinic); PubMed 15229130 (cited by Athena Diagnostics); PubMed 22664156 (cited by Division Of Personalized Genomic Medicine, Columbia University Irving Medical Center).